The following is an entry in ClinVar:

NM_001048174.2(MUTYH):c.956A>T (p.Glu319Val)

Gene: MUTYH (mutY DNA glycosylase; minus strand). Cytogenetic location: 1p34.1.
Variant type: single nucleotide variant.
Coding change: c.956A>T on transcript NM_001048174.2 (MANE Select); coding-DNA position 956, A replaced by T.
Protein change: p.Glu319Val; replaces glutamic acid 319 with valine.
Molecular consequence: missense variant. On other transcripts: non-coding transcript variant (7).
Genome position (GRCh38, 1-based): chr1:45,331,807, T>A on the plus strand (A>T on the coding strand, the complement: MUTYH is on the minus strand). VCF-style: chr1-45331807-T-A. GRCh37 (hg19) VCF-style: chr1-45797479-T-A.
Other names: c.956A>T, p.Glu319Val (NM_001293195.2, NM_001407070.1, NM_001407072.1 and 6 more transcripts); c.680A>T, p.Glu227Val (NM_001293196.2, NM_001407091.1, NM_001293192.2); c.611A>T, p.Glu204Val (NM_001350650.2, NM_001350651.2, NM_001407082.1); c.989A>T, p.Glu330Val (NM_001407069.1, NM_001293191.2, NM_001407077.1); c.959A>T, p.Glu320Val (NM_001407071.1, NM_001048172.2, NM_001407078.1 and 1 more transcripts); c.977A>T, p.Glu326Val (NM_001407087.1); c.1031A>T, p.Glu344Val (NM_012222.3); c.1040A>T, p.Glu347Val (NM_001128425.2); and 5 more; short protein forms E306V, E326V, E330V, E333V, E347V, E227V, E291V, E305V.
Identifiers: ClinVar variation 4112949 (VCV004112949.1).

ClinVar aggregate classification (germline): Uncertain significance (1 of 4 stars; one submission).

Conditions:
Hereditary cancer-predisposing syndrome. Also called: Tumor predisposition; Neoplastic Syndromes, Hereditary; Hereditary neoplastic syndrome; Hereditary Cancer Syndrome. Identifiers: Orphanet 140162, MedGen C0027672, MeSH D009386, MONDO:0015356.

Submission:

Ambry Genetics
Classification: Uncertain significance for Hereditary cancer-predisposing syndrome. Last evaluated: 2025-08-27. Review status: criteria provided, single submitter. Criteria: Ambry Variant Classification Scheme 2023. Collection method: clinical testing. Allele origin: germline.
Comment: The p.E347V variant (also known as c.1040A>T), located in coding exon 12 of the MUTYH gene, results from an A to T substitution at nucleotide position 1040. The glutamic acid at codon 347 is replaced by valine, an amino acid with dissimilar properties. This amino acid position is conserved. In addition, this alteration is predicted to be tolerated by in silico analysis. Based on the available evidence, the clinical significance of this variant remains unclear.